The following is an entry in ClinVar:

NM_006734.4(HIVEP2):c.4233_4234delinsCT (p.Gln1411_Thr1412delinsHisSer)

Gene: HIVEP2 (HIVEP zinc finger 2; minus strand). Cytogenetic location: 6q24.2.
Variant type: Indel.
Coding change: c.4233_4234delinsCT on transcript NM_006734.4 (MANE Select); coding-DNA positions 4233 to 4234, GA replaced by CT.
Protein change: p.Gln1411_Thr1412delinsHisSer.
Molecular consequence: missense variant.
Genome position (GRCh38, 1-based): chr6:142,770,505-142,770,506, TC replaced by AG on the plus strand (GA replaced by CT on the coding strand, the reverse complement: HIVEP2 is on the minus strand). VCF-style: chr6-142770505-TC-AG. GRCh37 (hg19) VCF-style: chr6-143091642-TC-AG.
Identifiers: ClinVar variation 2124755 (VCV002124755.4), dbSNP rs2482824413, ClinGen allele CA2580075158.
Genomic context (GRCh38, chr6:142,770,505, plus strand): 5'-CGCTGTCAGAGGTGGAAGGTAAACACAAGGGGATGGAGGATTCTAAGCCGAGGGGCAAAG[TC>AG]TGAGGTGCTTTCCAAATGGGGTACTTCTCCAAGCCCGCATGCTGCCCCAGCACCTGGGCA-3'

ClinVar aggregate classification (germline): Uncertain significance (1 of 4 stars; one submission).

Submission:

Labcorp Genetics (formerly Invitae), Labcorp
Classification: Uncertain significance. Last evaluated: 2022-05-17. Review status: criteria provided, single submitter. Criteria: Invitae Variant Classification Sherloc (09022015). Collection method: clinical testing. Allele origin: germline.
Comment: Information on the frequency of this variant in the gnomAD database is not available, as this variant may be reported differently in the database. This variant, c.4233_4234delinsCT, is a complex sequence change that results in the deletion of 2 and insertion of 2 amino acid(s) in the HIVEP2 protein (p.Gln1411_Thr1412delinsHisSer). This variant has not been reported in the literature in individuals affected with HIVEP2-related conditions. Experimental studies and prediction algorithms are not available or were not evaluated, and the functional significance of this variant is currently unknown. In summary, the available evidence is currently insufficient to determine the role of this variant in disease. Therefore, it has been classified as a Variant of Uncertain Significance.